The following is an entry in ClinVar:

ClinVar aggregate classification (germline): Uncertain significance (1 of 4 stars; one submission).

Submission:

Women's Health and Genetics/Laboratory Corporation of America, LabCorp
Classification: Uncertain significance. Last evaluated: 2023-09-18. Review status: criteria provided, single submitter. Criteria: LabCorp Variant Classification Summary - May 2015. Collection method: clinical testing. Allele origin: germline.
Comment: Variant summary: ALDH4A1 c.1567delG (p.Ala523ProfsX122) causes a frameshift which disrupts the last 43 amino acids and results in an extension of the protein. The variant allele was found at a frequency of 8e-06 in 249280 control chromosomes (gnomAD). c.1567delG has been reported in the literature in the homozygous state in an individual affected with deficiency of pyrroline-5-carboxylate reductase (hyperprolinemia type II) (Ciki_2022). These data indicate that the variant may be associated with disease. To our knowledge, no experimental evidence demonstrating an impact on protein function has been reported. However a variant located within the same region disrupted by the variant of interest (c.1633C>T, p.Gln545X) has also been reported in an individual with hyperprolinemia type II in the HGMD database. This suggests that this region may be important for protein function. Additionally, another frameshift variant located just upstream (c.1560dupT, p.Gly521TrpfsX10) has been observed in affected individuals in a large Irish traveller pedigree, has been found to disrupt protein function and is classified as pathogenic/likely pathogenic in ClinVar. However, due to its upstream location and non-extension variant type, the data for this variant cannot provide any definitive conclusions regarding the effect of the c.1567delG variant on protein function. The following publication has been ascertained in the context of this evaluation (PMID: 36130262). No submitters have cited clinical-significance assessments for this variant to ClinVar after 2014. Based on the evidence outlined above, the variant was classified as VUS-possibly pathogenic.

Literature cited by the submitters: PubMed 36130262.

NM_003748.4(ALDH4A1):c.1567del (p.Ala523fs)

Gene: ALDH4A1 (aldehyde dehydrogenase 4 family member A1; minus strand). Cytogenetic location: 1p36.13.
Variant type: Deletion.
Coding change: c.1567del on transcript NM_003748.4 (MANE Select); coding-DNA position 1567, one base deleted (G; older notation c.1567delG).
Protein change: p.Ala523fs; shifts the reading frame from alanine 523.
Molecular consequence: frameshift variant.
Genome position (GRCh38, 1-based): chr1:18,874,475, C deleted on the plus strand (G on the coding strand, the reverse complement: ALDH4A1 is on the minus strand); the first of 7 consecutive C bases (chr1:18,874,475-18,874,481); deleting any one gives the same sequence. VCF-style (leftmost placement, unchanged base first): chr1-18874474-GC-G. GRCh37 (hg19) VCF-style: chr1-19200968-GC-G.
Other names: c.1387del, p.Ala463fs (NM_001161504.2); c.1414del, p.Ala472fs (NM_001319218.2); c.1567del, p.Ala523fs (NM_170726.3); short protein forms A463fs, A472fs, A523fs.
Identifiers: ClinVar variation 2627268 (VCV002627268.1), dbSNP rs754334877, ClinGen allele CA646849.